The following is an entry in ClinVar:

NM_001242957.3(MAK):c.1277del (p.Gly426fs)

Gene: MAK (male germ cell associated kinase; minus strand). Cytogenetic location: 6p24.2.
Variant type: Deletion.
Coding change: c.1277del on transcript NM_001242957.3 (MANE Select); coding-DNA position 1277, one base deleted (G; older notation c.1277delG).
Protein change: p.Gly426fs; shifts the reading frame from glycine 426.
Molecular consequence: frameshift variant. On other transcripts: non-coding transcript variant (2).
Genome position (GRCh38, 1-based): chr6:10,791,714, C deleted on the plus strand (G on the coding strand, the reverse complement: MAK is on the minus strand); the first of 3 consecutive C bases (chr6:10,791,714-10,791,716); deleting any one gives the same sequence. VCF-style (leftmost placement, unchanged base first): chr6-10791713-AC-A. GRCh37 (hg19) VCF-style: chr6-10791946-AC-A.
Other names: c.1277del, p.Gly426fs (NM_001242385.2, NM_005906.6); c.1175del, p.Gly392fs (NM_001377262.1); short protein forms G392fs, G426fs.
Identifiers: ClinVar variation 2870214 (VCV002870214.3), dbSNP rs1382310091, ClinGen allele CA565827472.

ClinVar aggregate classification (germline): Pathogenic (1 of 4 stars; one submission).

Submission:

Labcorp Genetics (formerly Invitae), Labcorp
Classification: Pathogenic. Last evaluated: 2025-02-08. Review status: criteria provided, single submitter. Criteria: Invitae Variant Classification Sherloc (09022015). Collection method: clinical testing. Allele origin: germline.
Comment: This sequence change creates a premature translational stop signal (p.Gly426Valfs*39) in the MAK gene. It is expected to result in an absent or disrupted protein product. Loss-of-function variants in MAK are known to be pathogenic (PMID: 21148103, 21825139, 24938718, 29781741). This variant is present in population databases (no rsID available, gnomAD 0.03%). This variant has not been reported in the literature in individuals affected with MAK-related conditions. ClinVar contains an entry for this variant (Variation ID: 2870214). For these reasons, this variant has been classified as Pathogenic.

Literature cited by the submitters: PubMed 21148103; PubMed 21825139; PubMed 24938718; PubMed 29781741.